The following is an entry in ClinVar:

ClinVar aggregate classification (germline): Uncertain significance (1 of 4 stars; one submission).

Submission:

Labcorp Genetics (formerly Invitae), Labcorp
Classification: Uncertain significance. Last evaluated: 2025-01-29. Review status: criteria provided, single submitter. Criteria: Invitae Variant Classification Sherloc (09022015). Collection method: clinical testing. Allele origin: germline.
Comment: This variant, c.249_257dup, results in the insertion of 3 amino acid(s) of the RUNX2 protein (p.Ala87_Ala89dup), but otherwise preserves the integrity of the reading frame. This variant is not present in population databases (gnomAD no frequency). This variant has not been reported in the literature in individuals affected with RUNX2-related conditions. ClinVar contains an entry for this variant (Variation ID: 1902215). Experimental studies and prediction algorithms are not available or were not evaluated, and the functional significance of this variant is currently unknown. In summary, the available evidence is currently insufficient to determine the role of this variant in disease. Therefore, it has been classified as a Variant of Uncertain Significance.

NM_001024630.4(RUNX2):c.249_257dup (p.Ala89_Val90insAlaAlaAla)

Genes: RUNX2 (RUNX family transcription factor 2; plus strand), LOC109611589 (runt related transcription factor 2 polyalanine expansion region; plus strand). Cytogenetic location: 6p21.1.
Variant type: Duplication.
Coding change: c.249_257dup on transcript NM_001024630.4 (MANE Select); coding-DNA positions 249 to 257, 9 bases duplicated (TGCGGCGGC; older notation c.249_257dupTGCGGCGGC).
Protein change: p.Ala89_Val90insAlaAlaAla.
Molecular consequence: inframe insertion. On other transcripts: inframe indel (1).
Genome position (GRCh38, 1-based): chr6:45,422,783-45,422,791, TGCGGCGGC duplicated; duplicating any 9 consecutive bases within chr6:45,422,775-45,422,791 gives the same sequence; the c. name uses the placement nearest the transcript's 3' end. VCF-style (leftmost placement, unchanged base first): chr6-45422774-G-GGCGGCGGCT. GRCh37 (hg19) VCF-style: chr6-45390511-G-GGCGGCGGCT.
Other names: c.249_257dup, p.Ala89_Val90insAlaAlaAla (NM_001015051.4); c.207_215dup, p.Ala75_Val76insAlaAlaAla (NM_001278478.2, NM_001369405.1, NM_004348.3).
Identifiers: ClinVar variation 1902215 (VCV001902215.5), dbSNP rs777501691, ClinGen allele CA3836345.